The following is an entry in ClinVar:

ClinVar aggregate classification (germline): Uncertain significance (1 of 4 stars; one submission).

Conditions:
LRRC45-related disorder. Also called: LRRC45-related condition.

Submission:

PreventionGenetics, part of Exact Sciences
Classification: Uncertain significance for LRRC45-related condition. Last evaluated: 2025-06-23. Review status: criteria provided, single submitter. Criteria: ACMG Guidelines, 2015. Collection method: clinical testing. Allele origin: germline.
Comment: The LRRC45 c.1588G>A variant is predicted to result in the amino acid substitution p.Val530Met. To our knowledge, this variant has not been reported in the literature. This variant is reported in 0.011% of alleles in individuals of African descent in gnomAD. At this time, the clinical significance of this variant is uncertain due to the absence of conclusive functional and genetic evidence.

NM_144999.4(LRRC45):c.1588G>A (p.Val530Met)

Gene: LRRC45 (leucine rich repeat containing 45; plus strand). Cytogenetic location: 17q25.3.
Variant type: single nucleotide variant.
Coding change: c.1588G>A on transcript NM_144999.4 (MANE Select); coding-DNA position 1588, G replaced by A.
Protein change: p.Val530Met; replaces valine 530 with methionine.
Molecular consequence: missense variant.
Genome position (GRCh38, 1-based): chr17:82,030,158, G>A. VCF-style: chr17-82030158-G-A. GRCh37 (hg19) VCF-style: chr17-79988034-G-A.
Other names: short protein forms V530M.
Identifiers: ClinVar variation 4990031 (VCV004990031.1).
Genomic context (GRCh38, chr17:82,030,158, plus strand): 5'-AGACTGCTGGCGCAGGCACGGGACGAGGCGCAGGGCGCTTGCCTACAGCAGAAGCAGGTG[G>A]TGGCCGAGGCCCAGACCCGGGTCAGCCAGCTGGGCCTGCAAGTTGAGGGCCTGCGGCGGC-3'
Protein context (NP_659436.1, residues 520-540): QGACLQQKQV[Val530Met]AEAQTRVSQL